The following is an entry in ClinVar:

ClinVar aggregate classification (germline): Uncertain significance. Review status: criteria provided, multiple submitters, no conflicts (2 of 4 stars). 2 submissions from 2 submitters: Uncertain significance (2). Last evaluated 2025-10-15.

Conditions:
Inborn genetic diseases. Identifiers: MedGen C0950123, MeSH D030342.
Hereditary spastic paraplegia 11. Also called: Spastic Paraplegia 11; SPASTIC PARAPLEGIA, AUTOSOMAL RECESSIVE, COMPLICATED, WITH THIN CORPUS CALLOSUM; SPASTIC PARAPLEGIA, AUTOSOMAL RECESSIVE, WITH MENTAL IMPAIRMENT AND THIN CORPUS CALLOSUM; Spastic paraplegia, mental retardation and thin corpus callosum; Nakamura Osame syndrome; Autosomal recessive hereditary spastic paraplegia, mental impairment, and thin corpus callosum. Identifiers: Orphanet 2822, MedGen C1858479, MONDO:0011445, OMIM 604360.

Allele frequency attached by ClinVar (database versions not stated): gnomAD exomes 0.00001 and 0.00002; ExAC 0.00002; TOPMed 0.00002; gnomAD 0.00003.
gnomAD v4.1: 22 of 1,614,018 alleles (0.0014%); highest among the groups gnomAD compares: Admixed American, 0.0017%; no homozygotes.

Submissions (2):

Ambry Genetics
Classification: Uncertain significance for Inborn genetic diseases. Last evaluated: 2025-10-15. Review status: criteria provided, single submitter. Criteria: Ambry Variant Classification Scheme 2023. Collection method: clinical testing. Allele origin: germline.

Labcorp Genetics (formerly Invitae), Labcorp
Classification: Uncertain significance for Hereditary spastic paraplegia 11. Last evaluated: 2021-09-01. Review status: criteria provided, single submitter. Criteria: Invitae Variant Classification Sherloc (09022015). Collection method: clinical testing. Allele origin: germline.
Comment: This sequence change replaces arginine with glutamine at codon 2059 of the SPG11 protein (p.Arg2059Gln). The arginine residue is moderately conserved and there is a small physicochemical difference between arginine and glutamine. The frequency data for this variant in the population databases is considered unreliable, as metrics indicate poor data quality at this position in the ExAC database. This variant has not been reported in the literature in individuals affected with SPG11-related conditions. Algorithms developed to predict the effect of missense changes on protein structure and function output the following: SIFT: "Tolerated"; PolyPhen-2: "Benign"; Align-GVGD: "Class C0". The glutamine amino acid residue is found in multiple mammalian species, which suggests that this missense change does not adversely affect protein function. In summary, the available evidence is currently insufficient to determine the role of this variant in disease. Therefore, it has been classified as a Variant of Uncertain Significance.

NM_025137.4(SPG11):c.6176G>A (p.Arg2059Gln)

Gene: SPG11 (SPG11 vesicle trafficking associated, spatacsin; minus strand). Cytogenetic location: 15q21.1.
Variant type: single nucleotide variant.
Coding change: c.6176G>A on transcript NM_025137.4 (MANE Select); coding-DNA position 6176, G replaced by A.
Protein change: p.Arg2059Gln; replaces arginine 2059 with glutamine.
Molecular consequence: missense variant. On other transcripts: intron variant (1).
Genome position (GRCh38, 1-based): chr15:44,573,576, C>T on the plus strand (G>A on the coding strand, the complement: SPG11 is on the minus strand). VCF-style: chr15-44573576-C-T. GRCh37 (hg19) VCF-style: chr15-44865774-C-T.
Other names: c.5867-756G>A (NM_001160227.2); c.6176G>A (NM_025137.3); short protein forms R2059Q.
Identifiers: ClinVar variation 1036258 (VCV001036258.8), dbSNP rs757619567, ClinGen allele CA7534248.
Genomic context (GRCh38, chr15:44,573,576, plus strand): 5'-AGAGGTTGGGAATCCCCGGGGGGTAGGGCACCTGTTCCCTGTGATGAAGTAAGCAGCTCC[C>T]GTGTCACCTCTTCTGCCACGAGTTCAGCCACAGTATCTGGCTTAAGGCCCTGTGTGCTGA-3'
Protein context (NP_079413.3, residues 2049-2069): VAELVAEEVT[Arg2059Gln]ELLTSSQGTG